The following is an entry in ClinVar:

ClinVar aggregate classification (germline): Conflicting classifications of pathogenicity. Review status: criteria provided, conflicting classifications (1 of 4 stars). 7 submissions from 7 submitters: Uncertain significance (5); Benign (1); Likely benign (1). Last evaluated 2025-11-06.

Conditions:
Familial spontaneous pneumothorax (PSP). Identifiers: Orphanet 2903, MedGen C1868193, MONDO:0008259, OMIM 173600.
Birt-Hogg-Dube syndrome 1 (BHD1). Also called: FIBROFOLLICULOMAS WITH TRICHODISCOMAS AND ACROCHORDONS. Identifiers: Orphanet 122, MedGen CN375946, MONDO:0800445, OMIM 135150.
Nonpapillary renal cell carcinoma. Identifiers: Orphanet 422526, MedGen CN074294, MONDO:0007763, OMIM 144700.
Colorectal cancer. Also called: Colorectal cancer, somatic; Malignant Colorectal Neoplasm. Identifiers: MedGen C0346629, MONDO:0005575, OMIM 114500.
FLCN-related disorder. Also called: FLCN-related condition.
Hereditary cancer-predisposing syndrome. Also called: Neoplastic Syndromes, Hereditary; Tumor predisposition; Hereditary Cancer Syndrome; Hereditary neoplastic syndrome. Identifiers: Orphanet 140162, MedGen C0027672, MeSH D009386, MONDO:0015356.
Birt-Hogg-Dube syndrome. Also called: Birt Hogg Dubé syndrome. Identifiers: Orphanet 122, MedGen C0346010, MONDO:0800444.

Allele frequency attached by ClinVar (database versions not stated): gnomAD 0.00001; gnomAD exomes 0.00002 and 0.00005; TOPMed 0.00002; ExAC 0.00006.
gnomAD v4.1: 32 of 1,614,010 alleles (0.002%); highest among the groups gnomAD compares: Middle Eastern, 0.016%; no homozygotes.

Submissions (7):

Labcorp Genetics (formerly Invitae), Labcorp
Classification: Uncertain significance for Birt-Hogg-Dube syndrome. Last evaluated: 2025-11-06. Review status: criteria provided, single submitter. Criteria: Invitae Variant Classification Sherloc (09022015). Collection method: clinical testing. Allele origin: germline.
Comment: This sequence change replaces arginine, which is basic and polar, with glutamine, which is neutral and polar, at codon 86 of the FLCN protein (p.Arg86Gln). This variant is present in population databases (rs765550303, gnomAD 0.02%). This variant has not been reported in the literature in individuals affected with FLCN-related conditions. ClinVar contains an entry for this variant (Variation ID: 409375). Invitae Evidence Modeling of protein sequence and biophysical properties (such as structural, functional, and spatial information, amino acid conservation, physicochemical variation, residue mobility, and thermodynamic stability) indicates that this missense variant is not expected to disrupt FLCN protein function with a negative predictive value of 80%. In summary, the available evidence is currently insufficient to determine the role of this variant in disease. Therefore, it has been classified as a Variant of Uncertain Significance.

PreventionGenetics, part of Exact Sciences
Classification: Uncertain significance for FLCN-related condition. Last evaluated: 2025-09-03. Review status: criteria provided, single submitter. Criteria: ACMG Guidelines, 2015. Collection method: clinical testing. Allele origin: germline.
Comment: The FLCN c.257G>A variant is predicted to result in the amino acid substitution p.Arg86Gln. To our knowledge, this variant has not been reported in the literature. This variant is reported in 0.023% of alleles in individuals of Latino descent in gnomAD. This variant has conflicting interpretations in ClinVar ranging from uncertain to likely benign (Variation ID: 409375). At this time, the clinical significance of this variant is uncertain due to the absence of conclusive functional and genetic evidence.

Fulgent Genetics
Classification: Uncertain significance for Colorectal cancer; Birt-Hogg-Dube syndrome 1; Nonpapillary renal cell carcinoma; Familial spontaneous pneumothorax. Last evaluated: 2024-02-20. Review status: criteria provided, single submitter. Criteria: ACMG Guidelines, 2015. Collection method: clinical testing. Allele origin: germline.

Baylor Genetics
Classification: Uncertain significance for Birt-Hogg-Dube syndrome 1. Last evaluated: 2023-08-02. Review status: criteria provided, single submitter. Criteria: ACMG Guidelines, 2015. Collection method: clinical testing. Allele origin: unknown.

Quest Diagnostics Nichols Institute San Juan Capistrano
Classification: Likely benign. Last evaluated: 2023-03-24. Review status: criteria provided, single submitter. Criteria: Quest Diagnostics criteria. Collection method: clinical testing. Allele origin: unknown.

GeneDx
Classification: Uncertain significance. Last evaluated: 2022-09-06. Review status: criteria provided, single submitter. Criteria: GeneDx Variant Classification Process June 2021. Collection method: clinical testing. Allele origin: germline. Affected: yes.
Comment: In silico analysis supports that this missense variant does not alter protein structure/function; Has not been previously published as pathogenic or benign to our knowledge

Ambry Genetics
Classification: Benign for Hereditary cancer-predisposing syndrome. Last evaluated: 2021-12-07. Review status: criteria provided, single submitter. Criteria: Ambry Variant Classification Scheme 2023. Collection method: clinical testing. Allele origin: germline.

NM_144997.7(FLCN):c.257G>A (p.Arg86Gln)

Gene: FLCN (folliculin; minus strand). Cytogenetic location: 17p11.2.
Variant type: single nucleotide variant.
Coding change: c.257G>A on transcript NM_144997.7 (MANE Select); coding-DNA position 257, G replaced by A.
Protein change: p.Arg86Gln; replaces arginine 86 with glutamine.
Molecular consequence: missense variant.
Genome position (GRCh38, 1-based): chr17:17,226,315, C>T on the plus strand (G>A on the coding strand, the complement: FLCN is on the minus strand). VCF-style: chr17-17226315-C-T. GRCh37 (hg19) VCF-style: chr17-17129629-C-T.
Other names: c.257G>A (LRG_325t1, NM_144997.6); c.257G>A, p.Arg86Gln (NM_001353229.2, NM_001353230.2, NM_001353231.2 and 1 more transcripts); short protein forms R86Q.
Identifiers: ClinVar variation 409375 (VCV000409375.18), dbSNP rs765550303, ClinGen allele CA8416463.
Genomic context (GRCh38, chr17:17,226,315, plus strand): 5'-TATTTAATGGAGGTCTCTTTATCATGGCTGATATATCCCGGGTGCCCTGCAGCAAGTGAC[C>T]GGCAGCCCTGTCCATGAAAAGGAAAAGTAAATCTGTTAGTTGGGAAGCAGGGCGACAAAC-3'
Protein context (NP_659434.2, residues 76-96): PKKSDMCEGC[Arg86Gln]SLAAGHPGYI